The following is an entry in ClinVar:

NM_000062.3(SERPING1):c.899dup (p.Thr301fs)

Gene: SERPING1 (serpin family G member 1; plus strand). Cytogenetic location: 11q12.1.
Variant type: Duplication.
Coding change: c.899dup on transcript NM_000062.3 (MANE Select); coding-DNA position 899, one base duplicated (A; older notation c.899dupA).
Protein change: p.Thr301fs; shifts the reading frame from threonine 301.
Molecular consequence: frameshift variant.
Genome position (GRCh38, 1-based): chr11:57,606,417, A duplicated; the last of 2 consecutive A bases (chr11:57,606,416-57,606,417); duplicating either gives the same sequence. VCF-style (leftmost placement, unchanged base first): chr11-57606415-G-GA. GRCh37 (hg19) VCF-style: chr11-57373888-G-GA.
Other names: c.899dup, p.Thr301fs (NM_001032295.2); short protein forms T301fs.
Identifiers: ClinVar variation 3639751 (VCV003639751.2).

ClinVar aggregate classification (germline): Pathogenic (1 of 4 stars; one submission).

Submission:

Labcorp Genetics (formerly Invitae), Labcorp
Classification: Pathogenic. Last evaluated: 2024-02-08. Review status: criteria provided, single submitter. Criteria: Invitae Variant Classification Sherloc (09022015). Collection method: clinical testing. Allele origin: germline.
Comment: This sequence change creates a premature translational stop signal (p.Thr301Aspfs*4) in the SERPING1 gene. It is expected to result in an absent or disrupted protein product. Loss-of-function variants in SERPING1 are known to be pathogenic (PMID: 11112899, 24456027). This variant is not present in population databases (gnomAD no frequency). This variant has not been reported in the literature in individuals affected with SERPING1-related conditions. For these reasons, this variant has been classified as Pathogenic.

Literature cited by the submitters: PubMed 11112899; PubMed 24456027.